The following is an entry in ClinVar:

NM_001754.5(RUNX1):c.265C>T (p.Leu89=)

Gene: RUNX1 (RUNX family transcription factor 1; minus strand). Cytogenetic location: 21q22.12.
Variant type: single nucleotide variant.
Coding change: c.265C>T on transcript NM_001754.5 (MANE Select); coding-DNA position 265, C replaced by T.
Protein change: p.Leu89=; no amino-acid change (leucine 89 retained).
Molecular consequence: synonymous variant.
Genome position (GRCh38, 1-based): chr21:34,886,929, G>A on the plus strand (C>T on the coding strand, the complement: RUNX1 is on the minus strand). VCF-style: chr21-34886929-G-A. GRCh37 (hg19) VCF-style: chr21-36259226-G-A.
Other names: NM_001754.5(RUNX1):c.265C>T; p.Leu89=; c.184C>T, p.Leu62= (NM_001001890.3, NM_001122607.2).
Identifiers: ClinVar variation 415829 (VCV000415829.13), dbSNP rs1060504665, ClinGen allele CA16616271.

ClinVar aggregate classification (germline): Likely benign. Review status: reviewed by expert panel (3 of 4 stars). 4 submissions from 4 submitters: Likely benign (1). 3 of the submissions do not count toward it. Last evaluated 2026-06-01.

Conditions:
RUNX1-related disorder. Also called: RUNX1-related condition.
Hereditary thrombocytopenia and hematologic cancer predisposition syndrome. Identifiers: Orphanet 71290, MedGen CN281654, MONDO:0011071.
Inborn genetic diseases. Identifiers: MedGen C0950123, MeSH D030342.
Hereditary thrombocytopenia and hematological cancer predisposition syndrome associated with RUNX1. Also called: RUNX1 Familial Platelet Disorder with Associated Myeloid Malignancies; Familial thrombocytopenia with propensity to acute myelogenous leukemia; PLATELET DISORDER, ASPIRIN-LIKE; Familial Platelet Disorder with Propensity to Acute Myelogenous Leukemia. Identifiers: Orphanet 71290, MedGen C1832388, MeSH C563324, MONDO:0100083, OMIM 601399.

Allele frequency attached by ClinVar (database versions not stated): gnomAD 0.00001; TOPMed 0.00001.
gnomAD v4.1: 1 of 1,613,124 alleles (0.000062%); highest among the groups gnomAD compares: African/African-American, 0.0013%; no homozygotes.

Submissions (4):

ClinGen Myeloid Malignancy Variant Curation Expert Panel
Classification: Likely benign for Hereditary thrombocytopenia and hematologic cancer predisposition syndrome. Last evaluated: 2026-06-01. Review status: reviewed by expert panel. Criteria: ClinGen MyeloMalig ACMG Specifications V3.1. Collection method: curation. Allele origin: germline. Inheritance: Autosomal dominant inheritance.
Comment: NM_001754.5(RUNX1):c.265C>T (p.Leu89=) is a synonymous variant which has a MAF ≤ 0.00005 in gnomAD v4 across all subpopulations with at least 20x coverage for RUNX1 (PM2_Supporting) and has a SpliceAI score ≤ 0.20 (0.0) (BP4, BP7). In summary, this variant meets criteria to be classified as likely benign. ACMG/AMP criteria applied, as specified by the Myeloid Malignancy Variant Curation Expert Panel for RUNX1: BP4, BP7, PM2_Supporting.

Ambry Genetics
Classification: Likely benign for Inborn genetic diseases. Last evaluated: 2025-04-03. Review status: criteria provided, single submitter. Criteria: Ambry Variant Classification Scheme 2023. Collection method: clinical testing. Allele origin: germline. Not counted in ClinVar's aggregate classification.

PreventionGenetics, part of Exact Sciences
Classification: Likely benign for RUNX1-related condition. Last evaluated: 2024-10-30. Review status: criteria provided, single submitter. Criteria: ACMG Guidelines, 2015. Collection method: clinical testing. Allele origin: germline. Not counted in ClinVar's aggregate classification.
Comment: This variant is classified as likely benign based on ACMG/AMP sequence variant interpretation guidelines (Richards et al. 2015 PMID: 25741868, with internal and published modifications).

Labcorp Genetics (formerly Invitae), Labcorp
Classification: Likely benign for Hereditary thrombocytopenia and hematological cancer predisposition syndrome associated with RUNX1. Last evaluated: 2024-10-23. Review status: criteria provided, single submitter. Criteria: Invitae Variant Classification Sherloc (09022015). Collection method: clinical testing. Allele origin: germline. Not counted in ClinVar's aggregate classification.